The following is an entry in ClinVar:

NM_153704.6(TMEM67):c.840A>C (p.Gly280=)

Gene: TMEM67 (transmembrane protein 67; plus strand). Cytogenetic location: 8q22.1.
Variant type: single nucleotide variant.
Coding change: c.840A>C on transcript NM_153704.6 (MANE Select); coding-DNA position 840, A replaced by C.
Protein change: p.Gly280=; no amino-acid change (glycine 280 retained).
Molecular consequence: synonymous variant. On other transcripts: non-coding transcript variant (1).
Genome position (GRCh38, 1-based): chr8:93,780,718, A>C. VCF-style: chr8-93780718-A-C. GRCh37 (hg19) VCF-style: chr8-94792946-A-C.
Other names: c.597A>C, p.Gly199= (NM_001142301.1).
Identifiers: ClinVar variation 2077961 (VCV002077961.5), dbSNP rs536761065, ClinGen allele CA461855710.
Genomic context (GRCh38, chr8:93,780,718, plus strand): 5'-CGACTTTGCCACATTTGATGCATGTGGACTATTTCAGTTTATCTTTGAAAATACTGCTGG[A>C]CTGAGCACTGTTCATTCTATTTCATTTTGGTAAGGATATTTTGATTGATGAAATGTTATT-3'
Protein context (NP_714915.3, residues 270-290): LFQFIFENTA[Gly280=]LSTVHSISFW

ClinVar aggregate classification (germline): Likely benign. Review status: criteria provided, multiple submitters, no conflicts (2 of 4 stars). 2 submissions from 2 submitters: Likely benign (2). Last evaluated 2025-11-11.

Conditions:
Joubert syndrome. Also called: Familial aplasia of the vermis; JOUBERT-BOLTSHAUSER SYNDROME. Identifiers: Orphanet 475, MedGen C5979921, MONDO:0018772.
Meckel-Gruber syndrome. Also called: Dysencephalia splachnocystica; DYSENCEPHALIA SPLANCHNOCYSTICA; GRUBER SYNDROME. Identifiers: Orphanet 564, MedGen C0265215, MONDO:0018921.
TMEM67-related disorder. Also called: TMEM67-related condition; TMEM67-related disorders. Identifiers: MedGen CN239423.

Submissions (2):

PreventionGenetics, part of Exact Sciences
Classification: Likely benign for TMEM67-related condition. Last evaluated: 2025-11-11. Review status: criteria provided, single submitter. Criteria: ACMG Guidelines, 2015. Collection method: clinical testing. Allele origin: germline.
Comment: This variant is classified as likely benign based on ACMG/AMP sequence variant interpretation guidelines (Richards et al. 2015 PMID: 25741868, with internal and published modifications).

Labcorp Genetics (formerly Invitae), Labcorp
Classification: Likely benign for Joubert syndrome; Meckel-Gruber syndrome. Last evaluated: 2022-02-19. Review status: criteria provided, single submitter. Criteria: Invitae Variant Classification Sherloc (09022015). Collection method: clinical testing. Allele origin: germline.